The following is an entry in ClinVar:

ClinVar aggregate classification (germline): Uncertain significance (1 of 4 stars; one submission).

Allele frequency attached by ClinVar (database versions not stated): ESP Exome Variant Server 0.00008.
gnomAD v4.1: 1 of 1,613,858 alleles (0.000062%); highest among the groups gnomAD compares: African/African-American, 0.0013%; no homozygotes.

Submission:

Labcorp Genetics (formerly Invitae), Labcorp
Classification: Uncertain significance. Last evaluated: 2022-10-07. Review status: criteria provided, single submitter. Criteria: Invitae Variant Classification Sherloc (09022015). Collection method: clinical testing. Allele origin: germline.
Comment: In summary, the available evidence is currently insufficient to determine the role of this variant in disease. Therefore, it has been classified as a Variant of Uncertain Significance. Algorithms developed to predict the effect of missense changes on protein structure and function are either unavailable or do not agree on the potential impact of this missense change (SIFT: "Tolerated"; PolyPhen-2: "Not Available"; Align-GVGD: "Class C0"). This variant has not been reported in the literature in individuals affected with PCLO-related conditions. This variant is present in population databases (rs369627088, gnomAD 0.007%). This sequence change replaces threonine, which is neutral and polar, with isoleucine, which is neutral and non-polar, at codon 2954 of the PCLO protein (p.Thr2954Ile).

NM_033026.6(PCLO):c.8861C>T (p.Thr2954Ile)

Gene: PCLO (piccolo presynaptic cytomatrix protein; minus strand). Cytogenetic location: 7q21.11.
Variant type: single nucleotide variant.
Coding change: c.8861C>T on transcript NM_033026.6 (MANE Select); coding-DNA position 8861, C replaced by T.
Protein change: p.Thr2954Ile; replaces threonine 2954 with isoleucine.
Molecular consequence: missense variant.
Genome position (GRCh38, 1-based): chr7:82,952,092, G>A on the plus strand (C>T on the coding strand, the complement: PCLO is on the minus strand). VCF-style: chr7-82952092-G-A. GRCh37 (hg19) VCF-style: chr7-82581408-G-A.
Other names: c.8861C>T, p.Thr2954Ile (NM_014510.3); short protein forms T2954I.
Identifiers: ClinVar variation 1721127 (VCV001721127.5), dbSNP rs369627088, ClinGen allele CA4320045.